The following is an entry in ClinVar:

ClinVar aggregate classification (germline): Conflicting classifications of pathogenicity. Review status: criteria provided, conflicting classifications (1 of 4 stars). 5 submissions from 5 submitters: Uncertain significance (1); Likely benign (2). 2 of the submissions do not count toward it. Last evaluated 2026-01-11.

Conditions:
Methylmalonic aciduria, cblB type (MACB). Also called: METHYLMALONIC ACIDURIA, VITAMIN B12-RESPONSIVE, DUE TO DEFECT IN SYNTHESIS OF ADENOSYLCOBALAMIN, cblB TYPE; Methylmalonic acidemia cblB type; Vitamin B12-responsive methylmalonic acidemia type cblB. Identifiers: Orphanet 28, Orphanet 79311, MedGen C1855102, MONDO:0009614, OMIM 251110.
MMAB-related disorder. Also called: MMAB-related condition.

Allele frequency attached by ClinVar (database versions not stated): gnomAD 0.00003; TOPMed 0.00006; 1000 Genomes Project 30x 0.00031; 1000 Genomes Project 0.00040.
gnomAD v4.1: 81 of 1,612,444 alleles (0.005%); highest among the groups gnomAD compares: Admixed American, 0.052%; no homozygotes.

Submissions (5):

Labcorp Genetics (formerly Invitae), Labcorp
Classification: Likely benign for Methylmalonic aciduria, cblB type. Last evaluated: 2026-01-11. Review status: criteria provided, single submitter. Criteria: Invitae Variant Classification Sherloc (09022015). Collection method: clinical testing. Allele origin: germline.

Illumina Laboratory Services, Illumina
Classification: Uncertain significance for Methylmalonic aciduria, cblB type. Last evaluated: 2018-01-12. Review status: criteria provided, single submitter. Criteria: ICSL Variant Classification Criteria 13 December 2019. Collection method: clinical testing. Allele origin: germline.

GeneDx
Classification: Likely benign. Last evaluated: 2016-02-19. Review status: criteria provided, single submitter. Criteria: GeneDx Variant Classification (06012015). Collection method: clinical testing. Allele origin: germline. Affected: yes.
Comment: This variant is considered likely benign or benign based on one or more of the following criteria: it is a conservative change, it occurs at a poorly conserved position in the protein, it is predicted to be benign by multiple in silico algorithms, and/or has population frequency not consistent with disease.

Natera, Inc.
Classification: Likely benign for Methylmalonic aciduria cblB type. Last evaluated: 2020-04-10. Review status: no assertion criteria provided. Collection method: clinical testing. Allele origin: germline. Not counted in ClinVar's aggregate classification.

PreventionGenetics, part of Exact Sciences
Classification: Likely benign for MMAB-related condition. Last evaluated: 2019-10-28. Review status: no assertion criteria provided. Collection method: clinical testing. Allele origin: germline. Not counted in ClinVar's aggregate classification.
Comment: This variant is classified as likely benign based on ACMG/AMP sequence variant interpretation guidelines (Richards et al. 2015 PMID: 25741868, with internal and published modifications).

NM_052845.4(MMAB):c.732G>A (p.Ser244=)

Gene: MMAB (metabolism of cobalamin associated B; minus strand). Cytogenetic location: 12q24.11.
Variant type: single nucleotide variant.
Coding change: c.732G>A on transcript NM_052845.4 (MANE Select); coding-DNA position 732, G replaced by A.
Protein change: p.Ser244=; no amino-acid change (serine 244 retained).
Molecular consequence: synonymous variant. On other transcripts: non-coding transcript variant (1).
Genome position (GRCh38, 1-based): chr12:109,557,049, C>T on the plus strand (G>A on the coding strand, the complement: MMAB is on the minus strand). VCF-style: chr12-109557049-C-T. GRCh37 (hg19) VCF-style: chr12-109994854-C-T.
Identifiers: ClinVar variation 307075 (VCV000307075.21), dbSNP rs186864802, ClinGen allele CA6778749.
Genomic context (GRCh38, chr12:109,557,049, plus strand): 5'-GCCATGGAGGGATCCTCCAAGCTCCCACTTTCTGTGATTTCAGAGTCCCTCAGACTCGGC[C>T]GATGGGTCATTTTTCATGTATATTTTCTCTTGATTCCCCTCCTTCATGGCTGCATATCTG-3'
Protein context (NP_443077.1, residues 234-250): QEKIYMKNDP[Ser244=]AESEGL